The following is an entry in ClinVar:

NM_000548.5(TSC2):c.4471A>G (p.Lys1491Glu)

Gene: TSC2 (TSC complex subunit 2; plus strand). Cytogenetic location: 16p13.3.
Variant type: single nucleotide variant.
Coding change: c.4471A>G on transcript NM_000548.5 (MANE Select); coding-DNA position 4471, A replaced by G.
Protein change: p.Lys1491Glu; replaces lysine 1491 with glutamic acid.
Molecular consequence: missense variant.
Genome position (GRCh38, 1-based): chr16:2,084,693, A>G. VCF-style: chr16-2084693-A-G. GRCh37 (hg19) VCF-style: chr16-2134694-A-G.
Other names: c.4270A>G, p.Lys1424Glu (NM_001077183.3); c.4402A>G, p.Lys1468Glu (NM_001114382.3); c.4162A>G, p.Lys1388Glu (NM_001318827.2); c.4126A>G, p.Lys1376Glu (NM_001318829.2); c.3739A>G, p.Lys1247Glu (NM_001318831.2); c.4303A>G, p.Lys1435Glu (NM_001318832.2); c.4273A>G, p.Lys1425Glu (NM_001363528.2); c.4339A>G, p.Lys1447Glu (NM_001370404.1); and 2 more; short protein forms K1247E, K1376E, K1388E, K1424E, K1425E, K1435E, K1447E, K1448E.
Identifiers: ClinVar variation 1005979 (VCV001005979.9), dbSNP rs2090542726, ClinGen allele CA394302513.

ClinVar aggregate classification (germline): Uncertain significance. Review status: criteria provided, multiple submitters, no conflicts (2 of 4 stars). 2 submissions from 2 submitters: Uncertain significance (2). Last evaluated 2026-07-02.

Conditions:
Tuberous sclerosis 2 (TSC2). Identifiers: Orphanet 805, MedGen C1860707, MONDO:0013199, OMIM 613254.
Hereditary cancer-predisposing syndrome. Also called: Tumor predisposition; Hereditary Cancer Syndrome; Hereditary neoplastic syndrome; Neoplastic Syndromes, Hereditary. Identifiers: Orphanet 140162, MedGen C0027672, MeSH D009386, MONDO:0015356.

Submissions (2):

Ambry Genetics
Classification: Uncertain significance for Hereditary cancer-predisposing syndrome. Last evaluated: 2026-07-02. Review status: criteria provided, single submitter. Criteria: Ambry Variant Classification Scheme 2023. Collection method: clinical testing. Allele origin: germline.
Comment: The p.K1491E variant (also known as c.4471A>G), located in coding exon 33 of the TSC2 gene, results from an A to G substitution at nucleotide position 4471. The lysine at codon 1491 is replaced by glutamic acid, an amino acid with similar properties. This amino acid position is conserved. In addition, this alteration is predicted to be deleterious by in silico analysis. Based on the available evidence, the clinical significance of this variant remains unclear.

Labcorp Genetics (formerly Invitae), Labcorp
Classification: Uncertain significance for Tuberous sclerosis 2. Last evaluated: 2024-07-01. Review status: criteria provided, single submitter. Criteria: Invitae Variant Classification Sherloc (09022015). Collection method: clinical testing. Allele origin: germline.
Comment: This sequence change replaces lysine, which is basic and polar, with glutamic acid, which is acidic and polar, at codon 1491 of the TSC2 protein (p.Lys1491Glu). This variant is not present in population databases (gnomAD no frequency). This variant has not been reported in the literature in individuals affected with TSC2-related conditions. ClinVar contains an entry for this variant (Variation ID: 1005979). Advanced modeling of protein sequence and biophysical properties (such as structural, functional, and spatial information, amino acid conservation, physicochemical variation, residue mobility, and thermodynamic stability) performed at Invitae indicates that this missense variant is not expected to disrupt TSC2 protein function with a negative predictive value of 95%. In summary, the available evidence is currently insufficient to determine the role of this variant in disease. Therefore, it has been classified as a Variant of Uncertain Significance.